The following is an entry in ClinVar:

NM_181552.4(CUX1):c.443A>C (p.Glu148Ala)

Gene: CUX1 (cut like homeobox 1; plus strand). Cytogenetic location: 7q22.1.
Variant type: single nucleotide variant.
Coding change: c.443A>C on transcript NM_181552.4 (MANE Select); coding-DNA position 443, A replaced by C.
Protein change: p.Glu148Ala; replaces glutamic acid 148 with alanine.
Molecular consequence: missense variant.
Genome position (GRCh38, 1-based): chr7:102,104,372, A>C. VCF-style: chr7-102104372-A-C. GRCh37 (hg19) VCF-style: chr7-101747652-A-C.
Other names: c.476A>C, p.Glu159Ala (NM_001202543.2, NM_001913.5, NM_181500.4); c.428A>C, p.Glu143Ala (NM_001202544.3); c.338A>C, p.Glu113Ala (NM_001202545.3); c.365A>C, p.Glu122Ala (NM_001202546.3); short protein forms E113A, E122A, E143A, E148A, E159A.
Identifiers: ClinVar variation 3336228 (VCV003336228.1).
Genomic context (GRCh38, chr7:102,104,372, plus strand): 5'-GGTTTTTTTTTTTCTTTTCTGCAGAGGTTACGATAAAAGCACTTAAAGAGAAAATCCGAG[A>C]ATATGAACAGACACTGAAGAACCAAGCCGAAACCATAGCTCTTGAGAAGGAACAGAAGTT-3'
Protein context (NP_853530.2, residues 138-158): TIKALKEKIR[Glu148Ala]YEQTLKNQAE

ClinVar aggregate classification (germline): Uncertain significance (1 of 4 stars; one submission).

gnomAD v4.1: 7 of 1,611,316 alleles (0.00043%); highest among the groups gnomAD compares: Admixed American, 0.012%; no homozygotes.

Submission:

Women's Health and Genetics/Laboratory Corporation of America, LabCorp
Classification: Uncertain significance. Last evaluated: 2024-05-02. Review status: criteria provided, single submitter. Criteria: LabCorp Variant Classification Summary - May 2015. Collection method: clinical testing. Allele origin: germline.
Comment: Variant summary: CUX1 c.476A>C (p.Glu159Ala) results in a non-conservative amino acid change in the encoded protein sequence. Three of five in-silico tools predict a benign effect of the variant on protein function. The variant allele was found at a frequency of 1.6e-05 in 249038 control chromosomes. The available data on variant occurrences in the general population are insufficient to allow any conclusion about variant significance. To our knowledge, no occurrence of c.476A>C in individuals affected with Global Developmental Delay With Or Without Impaired Intellectual Development and no experimental evidence demonstrating its impact on protein function have been reported. No submitters have cited clinical-significance assessments for this variant to ClinVar. Based on the evidence outlined above, the variant was classified as uncertain significance.